The following is an entry in ClinVar:

ClinVar aggregate classification (germline): Uncertain significance (1 of 4 stars; one submission).

Conditions:
Succinate-semialdehyde dehydrogenase deficiency (SSADHD). Also called: GABA METABOLIC DEFECT; 4-HYDROXYBUTYRIC ACIDURIA; SSADH DEFICIENCY; Succinic Semialdehyde Dehydrogenase Deficiency. Identifiers: Orphanet 22, MedGen C0268631, MONDO:0010083, OMIM 271980.

Submission:

Labcorp Genetics (formerly Invitae), Labcorp
Classification: Uncertain significance for Succinate-semialdehyde dehydrogenase deficiency. Last evaluated: 2017-12-04. Review status: criteria provided, single submitter. Criteria: Invitae Variant Classification Sherloc (09022015). Collection method: clinical testing. Allele origin: germline.
Comment: In summary, the available evidence is currently insufficient to determine the role of this variant in disease. Therefore, it has been classified as a Variant of Uncertain Significance. Algorithms developed to predict the effect of missense changes on protein structure and function (SIFT, PolyPhen-2, Align-GVGD) all suggest that this variant is likely to be disruptive, but these predictions have not been confirmed by published functional studies and their clinical significance is uncertain. This variant has not been reported in the literature in individuals with ALDH5A1-related disease. This variant is not present in population databases (ExAC no frequency). This sequence change replaces glycine with glutamic acid at codon 155 of the ALDH5A1 protein (p.Gly155Glu). The glycine residue is highly conserved and there is a moderate physicochemical difference between glycine and glutamic acid.

NM_001080.3(ALDH5A1):c.464G>A (p.Gly155Glu)

Gene: ALDH5A1 (aldehyde dehydrogenase 5 family member A1; plus strand). Cytogenetic location: 6p22.3.
Variant type: single nucleotide variant.
Coding change: c.464G>A on transcript NM_001080.3 (MANE Select); coding-DNA position 464, G replaced by A.
Protein change: p.Gly155Glu; replaces glycine 155 with glutamic acid.
Molecular consequence: missense variant.
Genome position (GRCh38, 1-based): chr6:24,503,288, G>A. VCF-style: chr6-24503288-G-A. GRCh37 (hg19) VCF-style: chr6-24503516-G-A.
Other names: c.464G>A, p.Gly155Glu (NM_001368954.1, NM_170740.1); short protein forms G155E.
Identifiers: ClinVar variation 529489 (VCV000529489.6), dbSNP rs1554136421, ClinGen allele CA362969442.